The following is an entry in ClinVar:

NM_001365536.1(SCN9A):c.1238T>C (p.Ile413Thr)

Genes: SCN1A-AS1 (SCN1A and SCN9A antisense RNA 1; plus strand), SCN9A (sodium voltage-gated channel alpha subunit 9; minus strand). Cytogenetic location: 2q24.3.
Variant type: single nucleotide variant.
Coding change: c.1238T>C on transcript NM_001365536.1 (MANE Select); coding-DNA position 1238, T replaced by C.
Protein change: p.Ile413Thr; replaces isoleucine 413 with threonine.
Molecular consequence: missense variant.
Genome position (GRCh38, 1-based): chr2:166,288,513, A>G on the plus strand (T>C on the coding strand, the complement: SCN9A is on the minus strand). VCF-style: chr2-166288513-A-G. GRCh37 (hg19) VCF-style: chr2-167145023-A-G.
Other names: c.1238T>C, p.Ile413Thr (NM_002977.4); short protein forms I413T.
Identifiers: ClinVar variation 193648 (VCV000193648.17), dbSNP rs200689195, ClinGen allele CA239222.

ClinVar aggregate classification (germline): Conflicting classifications of pathogenicity. Review status: criteria provided, conflicting classifications (1 of 4 stars). 5 submissions from 5 submitters: Uncertain significance (4); Likely benign (1). Last evaluated 2025-07-30.

Conditions:
Neuropathy, hereditary sensory and autonomic, type 2A (HSAN2A). Also called: HSAN IIA; MORVAN DISEASE; NEUROPATHY, CONGENITAL SENSORY; NEUROPATHY, HEREDITARY SENSORY RADICULAR, AUTOSOMAL RECESSIVE; NEUROPATHY, HEREDITARY SENSORY, TYPE IIA; NEUROPATHY, PROGRESSIVE SENSORY, OF CHILDREN. Identifiers: Orphanet 970, MedGen C2752089, MONDO:0024309, OMIM 201300.
Generalized epilepsy with febrile seizures plus, type 7 (GEFSP7). Also called: GEFS+, TYPE 7. Identifiers: Orphanet 36387, MedGen C2751778, MONDO:0013470, OMIM 613863.
Inborn genetic diseases. Identifiers: MedGen C0950123, MeSH D030342.
Paroxysmal extreme pain disorder (PEXPD). Also called: PAIN, SUBMANDIBULAR, OCULAR, AND RECTAL, WITH FLUSHING; SCN9A Paroxysmal Extreme Pain Disorder (SCN9A-PEPD); RECTAL PAIN, FAMILIAL. Identifiers: Orphanet 46348, MedGen C1833661, MONDO:0008179, OMIM 167400.
Primary erythromelalgia. Also called: SCN9A Erythromelalgia (SCN9A-EM); primary erythermalgia. Identifiers: Orphanet 306577, Orphanet 90026, MedGen C0014805, MONDO:0007571, OMIM 133020.
Severe myoclonic epilepsy in infancy (DRVT). Also called: Dravet syndrome; Epileptic encephalopathy, early infantile, 6 (Dravet syndrome); SEVERE MYOCLONIC EPILEPSY OF INFANCY; DEVELOPMENTAL AND EPILEPTIC ENCEPHALOPATHY 6A; Severe Myoclonic Epilepsy in Infancy (SMEI). Identifiers: Orphanet 33069, MedGen C0751122, MONDO:0100135, OMIM 607208.
Channelopathy-associated congenital insensitivity to pain, autosomal recessive. Also called: CONGENITAL ANALGESIA, AUTOSOMAL RECESSIVE; Insensitivity to pain, channelopathy-associated; ASYMBOLIA FOR PAIN. Identifiers: Orphanet 88642, Orphanet 970, MedGen C1855739, MONDO:0009459, OMIM 243000.

Allele frequency attached by ClinVar (database versions not stated): ExAC 0.00002; gnomAD 0.00002; gnomAD exomes 0.00002 and 0.00007; TOPMed 0.00003; ESP Exome Variant Server 0.00017.
gnomAD v4.1: 109 of 1,613,268 alleles (0.0068%); highest among the groups gnomAD compares: Non-Finnish European, 0.0086%; no homozygotes.

Submissions (5):

Labcorp Genetics (formerly Invitae), Labcorp
Classification: Likely benign for Neuropathy, hereditary sensory and autonomic, type 2A; Generalized epilepsy with febrile seizures plus, type 7. Last evaluated: 2025-07-30. Review status: criteria provided, single submitter. Criteria: Invitae Variant Classification Sherloc (09022015). Collection method: clinical testing. Allele origin: germline.

Women's Health and Genetics/Laboratory Corporation of America, LabCorp
Classification: Uncertain significance. Last evaluated: 2024-09-17. Review status: criteria provided, single submitter. Criteria: LabCorp Variant Classification Summary - May 2015. Collection method: clinical testing. Allele origin: germline.
Comment: Variant summary: SCN9A c.1238T>C (p.Ile413Thr) results in a non-conservative amino acid change in the encoded protein sequence. Three of five in-silico tools predict a damaging effect of the variant on protein function. The variant allele was found at a frequency of 2.4e-05 in 248850 control chromosomes. The available data on variant occurrences in the general population are insufficient to allow any conclusion about variant significance. To our knowledge, no occurrence of c.1238T>C in individuals affected with Channelopathy-Associated Congenital Insensitivity To Pain or other SCN9A-related disorders and no experimental evidence demonstrating its impact on protein function have been reported. ClinVar contains an entry for this variant (Variation ID: 193648). Based on the evidence outlined above, the variant was classified as uncertain significance.

Ambry Genetics
Classification: Uncertain significance for Inborn genetic diseases. Last evaluated: 2020-12-14. Review status: criteria provided, single submitter. Criteria: Ambry Variant Classification Scheme 2023. Collection method: clinical testing. Allele origin: germline.
Comment: The p.I413T variant (also known as c.1238T>C), located in coding exon 9 of the SCN9A gene, results from a T to C substitution at nucleotide position 1238. The isoleucine at codon 413 is replaced by threonine, an amino acid with similar properties. This amino acid position is not well conserved in available vertebrate species. In addition, the in silico prediction for this alteration is inconclusive. Since supporting evidence is limited at this time, the clinical significance of this alteration remains unclear.

Fulgent Genetics
Classification: Uncertain significance for Primary erythromelalgia; Paroxysmal extreme pain disorder; Neuropathy, hereditary sensory and autonomic, type 2A; Channelopathy-associated congenital insensitivity to pain, autosomal recessive; Severe myoclonic epilepsy in infancy; Generalized epilepsy with febrile seizures plus, type 7. Last evaluated: 2018-10-31. Review status: criteria provided, single submitter. Criteria: ACMG Guidelines, 2015. Collection method: clinical testing. Allele origin: unknown.

Eurofins Ntd Llc (ga)
Classification: Uncertain significance. Last evaluated: 2015-01-30. Review status: criteria provided, single submitter. Criteria: EGL Classification Definitions 2015. Collection method: clinical testing. Allele origin: germline. Observed: 2 variant alleles, 2 heterozygotes.